The following is an entry in ClinVar:

ClinVar aggregate classification (germline): Uncertain significance (1 of 4 stars; one submission).

gnomAD v4.1: 1 of 1,203,947 alleles (0.000083%); highest among the groups gnomAD compares: Non-Finnish European, 0.00011%; no homozygotes.

Submission:

GeneDx
Classification: Uncertain significance. Last evaluated: 2026-03-09. Review status: criteria provided, single submitter. Criteria: GeneDx Variant Classification Process June 2021. Collection method: clinical testing. Allele origin: germline.
Comment: Not observed at significant frequency in large population cohorts (gnomAD); In silico analysis supports that this missense variant has a deleterious effect on protein structure/function; Has not been previously published as pathogenic or benign to our knowledge

NM_020922.5(WNK3):c.50C>T (p.Pro17Leu)

Gene: WNK3 (WNK lysine deficient protein kinase 3; minus strand). Cytogenetic location: Xp11.22.
Variant type: single nucleotide variant.
Coding change: c.50C>T on transcript NM_020922.5 (MANE Select); coding-DNA position 50, C replaced by T.
Protein change: p.Pro17Leu; replaces proline 17 with leucine.
Molecular consequence: missense variant.
Genome position (GRCh38, 1-based): chrX:54,333,624, G>A on the plus strand (C>T on the coding strand, the complement: WNK3 is on the minus strand). VCF-style: chrX-54333624-G-A. GRCh37 (hg19) VCF-style: chrX-54360057-G-A.
Other names: c.50C>T, p.Pro17Leu (NM_001002838.4, NM_001395166.1); short protein forms P17L.
Identifiers: ClinVar variation 5008745 (VCV005008745.1).